The following is an entry in ClinVar:

ClinVar aggregate classification (germline): Uncertain significance (1 of 4 stars; one submission).

Conditions:
Sulfite oxidase deficiency due to molybdenum cofactor deficiency type A. Also called: Molybdenum Cofactor Deficiency A; Molybdenum cofactor deficiency, complementation group A. Identifiers: Orphanet 308386, Orphanet 833, MedGen C1854988, MONDO:0009643, OMIM 252150.

Allele frequency attached by ClinVar (database versions not stated): gnomAD exomes below 0.00001.
gnomAD v4.1: 1 of 1,612,816 alleles (0.000062%); highest among the groups gnomAD compares: African/African-American, 0.0013%; no homozygotes.

Submission:

Labcorp Genetics (formerly Invitae), Labcorp
Classification: Uncertain significance for Sulfite oxidase deficiency due to molybdenum cofactor deficiency type A. Last evaluated: 2022-02-21. Review status: criteria provided, single submitter. Criteria: Invitae Variant Classification Sherloc (09022015). Collection method: clinical testing. Allele origin: germline.
Comment: In summary, the available evidence is currently insufficient to determine the role of this variant in disease. Therefore, it has been classified as a Variant of Uncertain Significance. This variant has not been reported in the literature in individuals affected with MOCS1-related conditions. This variant is not present in population databases (gnomAD no frequency). This sequence change affects codon 112 of the MOCS1 mRNA. It is a 'silent' change, meaning that it does not change the encoded amino acid sequence of the MOCS1 protein.

NM_001358530.2(MOCS1):c.336G>C (p.Arg112=)

Gene: MOCS1 (molybdenum cofactor synthesis 1; minus strand). Cytogenetic location: 6p21.2.
Variant type: single nucleotide variant.
Coding change: c.336G>C on transcript NM_001358530.2 (MANE Select); coding-DNA position 336, G replaced by C.
Protein change: p.Arg112=; no amino-acid change (arginine 112 retained).
Molecular consequence: synonymous variant. On other transcripts: non-coding transcript variant (1).
Genome position (GRCh38, 1-based): chr6:39,925,760, C>G on the plus strand (G>C on the coding strand, the complement: MOCS1 is on the minus strand). VCF-style: chr6-39925760-C-G. GRCh37 (hg19) VCF-style: chr6-39893504-C-G.
Other names: c.336G>C, p.Arg112= (NM_001075098.4, NM_001358529.2, NM_005943.6); c.75G>C, p.Arg25= (NM_001358531.2, NM_001358533.2, NM_001358534.2).
Identifiers: ClinVar variation 2101026 (VCV002101026.4), dbSNP rs2482399892, ClinGen allele CA450207666.